The following is an entry in ClinVar:

NM_001366285.2(TBXT):c.1016C>T (p.Ala339Val)

Gene: TBXT (T-box transcription factor T; minus strand). Cytogenetic location: 6q27.
Variant type: single nucleotide variant.
Coding change: c.1016C>T on transcript NM_001366285.2 (MANE Select); coding-DNA position 1016, C replaced by T.
Protein change: p.Ala339Val; replaces alanine 339 with valine.
Molecular consequence: missense variant.
Genome position (GRCh38, 1-based): chr6:166,160,858, G>A on the plus strand (C>T on the coding strand, the complement: TBXT is on the minus strand). VCF-style: chr6-166160858-G-A. GRCh37 (hg19) VCF-style: chr6-166574346-G-A.
Other names: c.839C>T, p.Ala280Val (NM_001270484.2); c.1016C>T, p.Ala339Val (NM_001366286.2); c.1013C>T, p.Ala338Val (NM_003181.4); c.1013C>T (NM_003181.3); short protein forms A338V, A280V, A339V.
Identifiers: ClinVar variation 445576 (VCV000445576.5), dbSNP rs117097130, ClinGen allele CA4092895.

ClinVar aggregate classification (germline): Likely benign. Review status: criteria provided, multiple submitters, no conflicts (2 of 4 stars). 3 submissions from 3 submitters: Likely benign (2). 1 of the submissions does not count toward it. Last evaluated 2017-09-08.

Conditions:
TBXT-related disorder. Also called: TBXT-related condition.

Allele frequency attached by ClinVar (database versions not stated): 1000 Genomes Project 0.00200; 1000 Genomes Project 30x 0.00203; TOPMed 0.00383; ESP Exome Variant Server 0.00461; gnomAD 0.00476 and 0.00486; ExAC 0.00483; gnomAD exomes 0.00503 and 0.00637.
gnomAD v4.1: 9,915 of 1,614,114 alleles (0.61%); highest among the groups gnomAD compares: Non-Finnish European, 0.72%; 40 homozygotes.

Submissions (3):

Center for Pediatric Genomic Medicine, Children's Mercy Hospital and Clinics
Classification: Likely benign. Last evaluated: 2017-09-08. Review status: criteria provided, single submitter. Criteria: ACMG Guidelines, 2015. Collection method: clinical testing. Allele origin: germline.

Breakthrough Genomics
Classification: Likely benign. Review status: criteria provided, single submitter. Criteria: ACMG Guidelines, 2015. Collection method: not provided. Allele origin: germline. Inheritance: Autosomal recessive inheritance. Affected: yes.

PreventionGenetics, part of Exact Sciences
Classification: Benign for TBXT-related condition. Last evaluated: 2019-05-02. Review status: no assertion criteria provided. Collection method: clinical testing. Allele origin: germline. Not counted in ClinVar's aggregate classification.
Comment: This variant is classified as benign based on ACMG/AMP sequence variant interpretation guidelines (Richards et al. 2015 PMID: 25741868, with internal and published modifications).